The following is an entry in ClinVar:

ClinVar aggregate classification (germline): Uncertain significance. Review status: criteria provided, multiple submitters, no conflicts (2 of 4 stars). 2 submissions from 2 submitters: Uncertain significance (2). Last evaluated 2022-02-23.

Conditions:
Hereditary spherocytosis type 1. Also called: Spherocytosis type 1; ANK1-Related Spherocytosis. Identifiers: Orphanet 822, MedGen C2674218, MONDO:0008447, OMIM 182900.

Allele frequency attached by ClinVar (database versions not stated): TOPMed 0.00003; ExAC 0.00004; gnomAD 0.00004; gnomAD exomes 0.00007.
gnomAD v4.1: 100 of 1,614,014 alleles (0.0062%); highest among the groups gnomAD compares: Non-Finnish European, 0.0079%; no homozygotes.

Submissions (2):

Labcorp Genetics (formerly Invitae), Labcorp
Classification: Uncertain significance. Last evaluated: 2022-02-23. Review status: criteria provided, single submitter. Criteria: Invitae Variant Classification Sherloc (09022015). Collection method: clinical testing. Allele origin: germline.
Comment: In summary, the available evidence is currently insufficient to determine the role of this variant in disease. Therefore, it has been classified as a Variant of Uncertain Significance. Algorithms developed to predict the effect of missense changes on protein structure and function (SIFT, PolyPhen-2, Align-GVGD) all suggest that this variant is likely to be disruptive. This variant has not been reported in the literature in individuals affected with ANK1-related conditions. This variant is present in population databases (rs760518133, gnomAD 0.01%). This sequence change replaces alanine, which is neutral and non-polar, with threonine, which is neutral and polar, at codon 630 of the ANK1 protein (p.Ala630Thr).

Revvity Omics, Revvity
Classification: Uncertain significance for Hereditary spherocytosis type 1. Last evaluated: 2021-12-30. Review status: criteria provided, single submitter. Criteria: ACMG Guidelines, 2015. Collection method: clinical testing. Allele origin: germline.

NM_000037.4(ANK1):c.1888G>A (p.Ala630Thr)

Gene: ANK1 (ankyrin 1; minus strand). Cytogenetic location: 8p11.21.
Variant type: single nucleotide variant.
Coding change: c.1888G>A on transcript NM_000037.4 (MANE Select); coding-DNA position 1888, G replaced by A.
Protein change: p.Ala630Thr; replaces alanine 630 with threonine.
Molecular consequence: missense variant.
Genome position (GRCh38, 1-based): chr8:41,708,888, C>T on the plus strand (G>A on the coding strand, the complement: ANK1 is on the minus strand). VCF-style: chr8-41708888-C-T. GRCh37 (hg19) VCF-style: chr8-41566406-C-T.
Other names: c.1987G>A, p.Ala663Thr (NM_001142446.2); c.1888G>A, p.Ala630Thr (NM_020475.3, NM_020476.3, NM_020477.3); short protein forms A630T, A663T.
Identifiers: ClinVar variation 2174343 (VCV002174343.7), dbSNP rs760518133, ClinGen allele CA4728437.
Genomic context (GRCh38, chr8:41,708,888, plus strand): 5'-TCTCTGCGTGGCCCTCCTGGGCGGCCAGGTGAAGGGGCGTCACACCTTGCACCGACTCGG[C>T]GTTTGCTGAGCCCCCATACTGCAGCAGACTACGGGCCACCTCCACCTGGTTCTGCTTGGC-3'
Protein context (NP_000028.3, residues 620-640): SLLQYGGSAN[Ala630Thr]ESVQGVTPLH